The following is an entry in ClinVar:

NM_007294.4(BRCA1):c.2794G>A (p.Val932Ile)

Gene: BRCA1 (BRCA1 DNA repair associated; minus strand). Cytogenetic location: 17q21.31.
Variant type: single nucleotide variant.
Coding change: c.2794G>A on transcript NM_007294.4 (MANE Select); coding-DNA position 2794, G replaced by A.
Protein change: p.Val932Ile; replaces valine 932 with isoleucine.
Molecular consequence: missense variant. On other transcripts: intron variant (137).
Genome position (GRCh38, 1-based): chr17:43,092,737, C>T on the plus strand (G>A on the coding strand, the complement: BRCA1 is on the minus strand). VCF-style: chr17-43092737-C-T. GRCh37 (hg19) VCF-style: chr17-41244754-C-T.
Other names: c.2650G>A, p.Val884Ile (NM_001407842.1, NM_001407843.1, NM_001407964.1 and 20 more transcripts); c.2461G>A, p.Val821Ile (NM_001407947.1, NM_001407948.1, NM_001407949.1 and 6 more transcripts); c.2458G>A, p.Val820Ile (NM_001407954.1, NM_001407955.1, NM_001407956.1 and 1 more transcripts); c.2413G>A, p.Val805Ile (NM_001407960.1, NM_001407963.1, NM_001407959.1); c.2410G>A, p.Val804Ile (NM_001407962.1); c.2290G>A, p.Val764Ile (NM_001407965.1); c.1906G>A, p.Val636Ile (NM_001407966.1, NM_001407967.1); c.2671G>A, p.Val891Ile (NM_001407863.1, NM_001407648.1, NM_001407664.1 and 19 more transcripts); and 41 more; short protein forms V636I, V764I, V804I, V805I, V820I, V821I, V843I, V844I.
Identifiers: ClinVar variation 3777288 (VCV003777288.1).

ClinVar aggregate classification (germline): Uncertain significance (1 of 4 stars; one submission).

gnomAD v4.1: 1 of 1,614,096 alleles (0.000062%); highest among the groups gnomAD compares: South Asian, 0.0011%; no homozygotes.

Submission:

GeneDx
Classification: Uncertain significance. Last evaluated: 2024-10-14. Review status: criteria provided, single submitter. Criteria: GeneDx Variant Classification Process June 2021. Collection method: clinical testing. Allele origin: germline. Affected: yes.
Comment: Not observed at significant frequency in large population cohorts (gnomAD); In silico analysis indicates that this missense variant does not alter protein structure/function; Has not been previously published as pathogenic or benign to our knowledge; Also known as 2913G>A